The following is an entry in ClinVar:

ClinVar aggregate classification (germline): Uncertain significance (1 of 4 stars; one submission).

Conditions:
Ciliary dyskinesia, primary, 50 (CILD50). Identifiers: MedGen C5830473, MONDO:0957252, OMIM 620356.

Submission:

Juno Genomics, Hangzhou Juno Genomics, Inc
Classification: Uncertain significance for Ciliary dyskinesia, primary, 50. Review status: criteria provided, single submitter. Criteria: ACMG Guidelines, 2015. Collection method: clinical testing. Allele origin: germline.
Comment: Absent from controls (or at extremely low frequency if recessive) in Genome Aggregation Database.;Null variant in a gene where loss of function (LOF) is a known mechanism of disease.

NM_018897.3(DNAH7):c.5451_5454del (p.Met1817fs)

Gene: DNAH7 (dynein axonemal heavy chain 7; minus strand). Cytogenetic location: 2q32.3.
Variant type: Deletion.
Coding change: c.5451_5454del on transcript NM_018897.3 (MANE Select); coding-DNA positions 5451 to 5454, 4 bases deleted (GAAT; older notation c.5451_5454delGAAT).
Protein change: p.Met1817fs; shifts the reading frame from methionine 1817.
Molecular consequence: frameshift variant.
Genome position (GRCh38, 1-based): chr2:195,886,225-195,886,228, ATTC deleted on the plus strand (GAAT on the coding strand, the reverse complement: DNAH7 is on the minus strand); deleting any 4 consecutive bases within chr2:195,886,225-195,886,231 gives the same sequence; the c. name uses the placement nearest the transcript's 3' end. VCF-style (leftmost placement, unchanged base first): chr2-195886224-GATTC-G. GRCh37 (hg19) VCF-style: chr2-196750948-GATTC-G.
Other names: short protein forms M1817fs.
Identifiers: ClinVar variation 5019381 (VCV005019381.2).